The following is an entry in ClinVar:

ClinVar aggregate classification (germline): Likely benign (1 of 4 stars; one submission).

gnomAD v4.1: 7 of 1,605,040 alleles (0.00044%); highest among the groups gnomAD compares: South Asian, 0.0055%; no homozygotes.

Submission:

CeGaT Center for Human Genetics Tuebingen
Classification: Likely benign. Last evaluated: 2025-09-01. Review status: criteria provided, single submitter. Criteria: CeGaT Center For Human Genetics Tuebingen Variant Classification Criteria Version 2. Collection method: clinical testing. Allele origin: germline. Affected: yes. Observed: 1 variant allele.
Comment: SETD1A: BP4, BP7

NM_014712.3(SETD1A):c.3453C>G (p.Pro1151=)

Gene: SETD1A (SET domain containing 1A, histone lysine methyltransferase; plus strand). Cytogenetic location: 16p11.2.
Variant type: single nucleotide variant.
Coding change: c.3453C>G on transcript NM_014712.3 (MANE Select); coding-DNA position 3453, C replaced by G.
Protein change: p.Pro1151=; no amino-acid change (proline 1151 retained).
Molecular consequence: synonymous variant.
Genome position (GRCh38, 1-based): chr16:30,979,239, C>G. VCF-style: chr16-30979239-C-G. GRCh37 (hg19) VCF-style: chr16-30990560-C-G.
Identifiers: ClinVar variation 4281004 (VCV004281004.7).
Genomic context (GRCh38, chr16:30,979,239, plus strand): 5'-GCGTCCCCCAGAACCACCTGCTGGGCCCCCGGCCCCTGCCCCACGCCCCGATGAGCGTCC[C>G]TCTTCTCCCATCCCCCTCCTGCCCCCACCCAAGAAACGCCGGAAAACTGTCTCCTTCTCT-3'
Protein context (NP_055527.1, residues 1141-1161): PAPAPRPDER[Pro1151=]SSPIPLLPPP